The following is an entry in ClinVar:

ClinVar aggregate classification (germline): Uncertain significance. Review status: criteria provided, multiple submitters, no conflicts (2 of 4 stars). 2 submissions from 2 submitters: Uncertain significance (2). Last evaluated 2024-09-06.

Conditions:
Von Hippel-Lindau syndrome (VHLS). Also called: Von Hippel-Lindau; von Hippel–Lindau syndrome; VHL syndrome. Identifiers: Orphanet 892, MedGen C0019562, MONDO:0008667, OMIM 193300. Disease mechanism: loss of function.
Chuvash polycythemia. Also called: POLYCYTHEMIA, VHL-DEPENDENT. Identifiers: Orphanet 238557, MedGen C1837915, MONDO:0009892, OMIM 263400.
Hereditary cancer-predisposing syndrome. Also called: Hereditary neoplastic syndrome; Tumor predisposition; Neoplastic Syndromes, Hereditary; Hereditary Cancer Syndrome. Identifiers: Orphanet 140162, MedGen C0027672, MeSH D009386, MONDO:0015356.

Allele frequency attached by ClinVar (database versions not stated): gnomAD exomes below 0.00001.

Submissions (2):

Ambry Genetics
Classification: Uncertain significance for Hereditary cancer-predisposing syndrome. Last evaluated: 2024-09-06. Review status: criteria provided, single submitter. Criteria: Ambry Variant Classification Scheme 2023. Collection method: clinical testing. Allele origin: germline.
Comment: The p.R69L variant (also known as c.206G>T), located in coding exon 1 of the VHL gene, results from a G to T substitution at nucleotide position 206. The arginine at codon 69 is replaced by leucine, an amino acid with dissimilar properties. This variant was determined to be functionally neutral in one saturation genome editing assay (Buckley M et al. Nat Genet, 2024 Jul;56:1446-1455). This amino acid position is not well conserved in available vertebrate species. In addition, the in silico prediction for this alteration is inconclusive. Based on the available evidence, the clinical significance of this variant remains unclear.

Labcorp Genetics (formerly Invitae), Labcorp
Classification: Uncertain significance for Von Hippel-Lindau syndrome; Chuvash polycythemia. Last evaluated: 2023-02-24. Review status: criteria provided, single submitter. Criteria: Invitae Variant Classification Sherloc (09022015). Collection method: clinical testing. Allele origin: germline.
Comment: This sequence change replaces arginine, which is basic and polar, with leucine, which is neutral and non-polar, at codon 69 of the VHL protein (p.Arg69Leu). This variant is not present in population databases (gnomAD no frequency). In summary, the available evidence is currently insufficient to determine the role of this variant in disease. Therefore, it has been classified as a Variant of Uncertain Significance. Advanced modeling of protein sequence and biophysical properties (such as structural, functional, and spatial information, amino acid conservation, physicochemical variation, residue mobility, and thermodynamic stability) performed at Invitae indicates that this missense variant is expected to disrupt VHL protein function. ClinVar contains an entry for this variant (Variation ID: 1471589). This variant has not been reported in the literature in individuals affected with VHL-related conditions.

Literature cited by the submitters: PubMed 38969834 (cited by Ambry Genetics).

NM_000551.4(VHL):c.206G>T (p.Arg69Leu)

Gene: VHL (von Hippel-Lindau tumor suppressor; plus strand). Cytogenetic location: 3p25.3.
Variant type: single nucleotide variant.
Coding change: c.206G>T on transcript NM_000551.4 (MANE Select); coding-DNA position 206, G replaced by T.
Protein change: p.Arg69Leu; replaces arginine 69 with leucine.
Molecular consequence: missense variant.
Genome position (GRCh38, 1-based): chr3:10,142,053, G>T. VCF-style: chr3-10142053-G-T. GRCh37 (hg19) VCF-style: chr3-10183737-G-T.
Other names: c.206G>T, p.Arg69Leu (NM_001354723.2, NM_198156.3); short protein forms R69L.
Identifiers: ClinVar variation 1471589 (VCV001471589.11), dbSNP rs1171336955, ClinGen allele CA351748931.